The following is an entry in ClinVar:

ClinVar aggregate classification (germline): Uncertain significance (1 of 4 stars; one submission).

Submission:

GeneDx
Classification: Uncertain significance. Last evaluated: 2026-04-20. Review status: criteria provided, single submitter. Criteria: GeneDx Variant Classification Process June 2021. Collection method: clinical testing. Allele origin: germline.
Comment: Not observed at significant frequency in large population cohorts (gnomAD); In silico analysis supports that this missense variant has a deleterious effect on protein structure/function; Has not been previously published as pathogenic or benign to our knowledge

NM_031407.7(HUWE1):c.2452T>C (p.Ser818Pro)

Gene: HUWE1 (HECT, UBA and WWE domain containing E3 ubiquitin protein ligase 1; minus strand). Cytogenetic location: Xp11.22.
Variant type: single nucleotide variant.
Coding change: c.2452T>C on transcript NM_031407.7 (MANE Select); coding-DNA position 2452, T replaced by C.
Protein change: p.Ser818Pro; replaces serine 818 with proline.
Molecular consequence: missense variant.
Genome position (GRCh38, 1-based): chrX:53,607,567, A>G on the plus strand (T>C on the coding strand, the complement: HUWE1 is on the minus strand). VCF-style: chrX-53607567-A-G. GRCh37 (hg19) VCF-style: chrX-53634528-A-G.
Other names: c.2452T>C, p.Ser818Pro (NM_001441048.1, NM_001441049.1, NM_001441051.1 and 6 more transcripts); c.2473T>C, p.Ser825Pro (NM_001441050.1, NM_001441055.1); short protein forms S818P, S825P.
Identifiers: ClinVar variation 5037400 (VCV005037400.1).